The following is an entry in ClinVar:

NM_000059.4(BRCA2):c.9219_9228del (p.Ile3075fs)

Gene: BRCA2 (BRCA2 DNA repair associated; plus strand). Cytogenetic location: 13q13.1.
Variant type: Deletion.
Coding change: c.9219_9228del on transcript NM_000059.4 (MANE Select); coding-DNA positions 9219 to 9228, 10 bases deleted (CCTAATAGGA; older notation c.9219_9228delCCTAATAGGA).
Protein change: p.Ile3075fs; shifts the reading frame from isoleucine 3075.
Molecular consequence: frameshift variant.
Genome position (GRCh38, 1-based): chr13:32,380,108-32,380,117, CCTAATAGGA deleted; deleting any 10 consecutive bases within chr13:32,380,105-32,380,117 gives the same sequence; the c. name uses the placement nearest the transcript's 3' end. VCF-style (leftmost placement, unchanged base first): chr13-32380104-TGGACCTAATA-T. GRCh37 (hg19) VCF-style: chr13-32954241-TGGACCTAATA-T.
Other names: c.9219_9228del10 (NM_000059.3); short protein forms I3075fs.
Identifiers: ClinVar variation 482994 (VCV000482994.5), dbSNP rs1555288559, ClinGen allele CA658656440.

ClinVar aggregate classification (germline): Pathogenic (1 of 4 stars; one submission).

Conditions:
Hereditary cancer-predisposing syndrome. Also called: Neoplastic Syndromes, Hereditary; Tumor predisposition; Hereditary Cancer Syndrome; Hereditary neoplastic syndrome. Identifiers: Orphanet 140162, MedGen C0027672, MeSH D009386, MONDO:0015356.

Submission:

Ambry Genetics
Classification: Pathogenic for Hereditary cancer-predisposing syndrome. Last evaluated: 2016-01-05. Review status: criteria provided, single submitter. Criteria: Ambry Variant Classification Scheme 2023. Collection method: clinical testing. Allele origin: germline.
Comment: The c.9219_9228del10 pathogenic mutation, located in coding exon 23 of the BRCA2 gene, results from a deletion of 10 nucleotides at nucleotide positions 9219 to 9228, causing a translational frameshift with a predicted alternate stop codon (p.I3075Sfs*5). This alteration is expected to result in loss of function by premature protein truncation or nonsense-mediated mRNA decay. As such, this alteration is interpreted as a disease-causing mutation.